The following is an entry in ClinVar:

ClinVar aggregate classification (germline): Uncertain significance (1 of 4 stars; one submission).

Conditions:
Malignant hyperthermia, susceptibility to, 1 (MHS1). Also called: RYR1-Related Malignant Hyperthermia Susceptibility; Malignant hyperthermia suceptibility 1; Anesthesia related hyperthermia; Malignant hyperpyrexia; Fulminating hyperpyrexia; Pharmacogenic myopathy. Identifiers: Orphanet 423, MedGen C2930980, MONDO:0007783, OMIM 145600.

gnomAD v4.1: 2 of 1,614,200 alleles (0.00012%); highest among the groups gnomAD compares: Admixed American, 0.0017%; no homozygotes.

Submission:

Color Diagnostics, LLC DBA Color Health
Classification: Uncertain significance for Malignant hyperthermia, susceptibility to, 1. Last evaluated: 2025-06-23. Review status: criteria provided, single submitter. Criteria: ACMG Guidelines, 2015. Collection method: clinical testing. Allele origin: germline.
Comment: This missense variant replaces isoleucine with methionine at codon 4961 of the RYR1 protein. Computational prediction suggests that this variant may have deleterious impact on protein structure and function. To our knowledge, functional studies have not been reported for this variant. This variant has not been reported in individuals affected with RYR1-related disorders in the literature. This variant has been identified in 1/251410 chromosomes in the general population by the Genome Aggregation Database (gnomAD). The available evidence is insufficient to determine the role of this variant in disease conclusively. Therefore, this variant is classified as a Variant of Uncertain Significance.

NM_000540.3(RYR1):c.14883C>G (p.Ile4961Met)

Gene: RYR1 (ryanodine receptor 1; plus strand). Cytogenetic location: 19q13.2.
Variant type: single nucleotide variant.
Coding change: c.14883C>G on transcript NM_000540.3 (MANE Select); coding-DNA position 14883, C replaced by G.
Protein change: p.Ile4961Met; replaces isoleucine 4961 with methionine.
Molecular consequence: missense variant.
Genome position (GRCh38, 1-based): chr19:38,586,105, C>G. VCF-style: chr19-38586105-C-G. GRCh37 (hg19) VCF-style: chr19-39076745-C-G.
Other names: c.14868C>G, p.Ile4956Met (NM_001042723.2); short protein forms I4956M, I4961M.
Identifiers: ClinVar variation 4756861 (VCV004756861.1).